The following is an entry in ClinVar:

NM_207352.4(CYP4V2):c.264G>A (p.Pro88=)

Gene: CYP4V2 (cytochrome P450 family 4 subfamily V member 2; plus strand). Cytogenetic location: 4q35.1.
Variant type: single nucleotide variant.
Coding change: c.264G>A on transcript NM_207352.4 (MANE Select); coding-DNA position 264, G replaced by A.
Protein change: p.Pro88=; no amino-acid change (proline 88 retained).
Molecular consequence: synonymous variant.
Genome position (GRCh38, 1-based): chr4:186,194,549, G>A. VCF-style: chr4-186194549-G-A. GRCh37 (hg19) VCF-style: chr4-187115703-G-A.
Other names: c.264G>A (NM_207352.3).
Identifiers: ClinVar variation 1101382 (VCV001101382.10), dbSNP rs201610304, ClinGen allele CA3162485.
Genomic context (GRCh38, chr4:186,194,549, plus strand): 5'-TTTTTCCCCAGAATTTTTTCAGCAGATCATTGAGTACACAGAGGAATACCGCCACATGCC[G>A]CTGCTGAAGCTCTGGGTCGGGCCAGTGCCCATGGTGGCCCTTTATAATGCAGAAAATGTG-3'
Protein context (NP_997235.3, residues 78-98): IEYTEEYRHM[Pro88=]LLKLWVGPVP

ClinVar aggregate classification (germline): Likely benign. Review status: criteria provided, multiple submitters, no conflicts (2 of 4 stars). 2 submissions from 2 submitters: Likely benign (2). Last evaluated 2025-04-14.

Conditions:
CYP4V2-related disorder. Also called: CYP4V2-related condition; CYP4V2-related disorders.

Submissions (2):

Labcorp Genetics (formerly Invitae), Labcorp
Classification: Likely benign. Last evaluated: 2025-04-14. Review status: criteria provided, single submitter. Criteria: Invitae Variant Classification Sherloc (09022015). Collection method: clinical testing. Allele origin: germline.

PreventionGenetics, part of Exact Sciences
Classification: Likely benign for CYP4V2-related condition. Last evaluated: 2025-01-31. Review status: criteria provided, single submitter. Criteria: ACMG Guidelines, 2015. Collection method: clinical testing. Allele origin: germline.
Comment: This variant is classified as likely benign based on ACMG/AMP sequence variant interpretation guidelines (Richards et al. 2015 PMID: 25741868, with internal and published modifications).